The following is an entry in ClinVar:

NM_033026.6(PCLO):c.10978G>A (p.Asp3660Asn)

Gene: PCLO (piccolo presynaptic cytomatrix protein; minus strand). Cytogenetic location: 7q21.11.
Variant type: single nucleotide variant.
Coding change: c.10978G>A on transcript NM_033026.6 (MANE Select); coding-DNA position 10978, G replaced by A.
Protein change: p.Asp3660Asn; replaces aspartic acid 3660 with asparagine.
Molecular consequence: missense variant.
Genome position (GRCh38, 1-based): chr7:82,949,610, C>T on the plus strand (G>A on the coding strand, the complement: PCLO is on the minus strand). VCF-style: chr7-82949610-C-T. GRCh37 (hg19) VCF-style: chr7-82578926-C-T.
Other names: c.10978G>A, p.Asp3660Asn (NM_014510.3); short protein forms D3660N.
Identifiers: ClinVar variation 2089529 (VCV002089529.4), dbSNP rs2535671273, ClinGen allele CA367900868.

ClinVar aggregate classification (germline): Uncertain significance (1 of 4 stars; one submission).

Submission:

Labcorp Genetics (formerly Invitae), Labcorp
Classification: Uncertain significance. Last evaluated: 2024-09-05. Review status: criteria provided, single submitter. Criteria: Invitae Variant Classification Sherloc (09022015). Collection method: clinical testing. Allele origin: germline.
Comment: This sequence change replaces aspartic acid, which is acidic and polar, with asparagine, which is neutral and polar, at codon 3660 of the PCLO protein (p.Asp3660Asn). This variant is not present in population databases (gnomAD no frequency). This variant has not been reported in the literature in individuals affected with PCLO-related conditions. ClinVar contains an entry for this variant (Variation ID: 2089529). Experimental studies and prediction algorithms are not available or were not evaluated, and the functional significance of this variant is currently unknown. In summary, the available evidence is currently insufficient to determine the role of this variant in disease. Therefore, it has been classified as a Variant of Uncertain Significance.